The following is an entry in ClinVar:

NM_001042492.3(NF1):c.5321G>A (p.Gly1774Glu)

Gene: NF1 (neurofibromin 1; plus strand). Cytogenetic location: 17q11.2.
Variant type: single nucleotide variant.
Coding change: c.5321G>A on transcript NM_001042492.3 (MANE Select); coding-DNA position 5321, G replaced by A.
Protein change: p.Gly1774Glu; replaces glycine 1774 with glutamic acid.
Molecular consequence: missense variant.
Genome position (GRCh38, 1-based): chr17:31,327,551, G>A. VCF-style: chr17-31327551-G-A. GRCh37 (hg19) VCF-style: chr17-29654569-G-A.
Other names: c.5258G>A, p.Gly1753Glu (NM_000267.4); short protein forms G1774E, G1753E.
Identifiers: ClinVar variation 2452281 (VCV002452281.2), dbSNP rs2151540960, ClinGen allele CA399009126.
Genomic context (GRCh38, chr17:31,327,551, plus strand): 5'-CTTTCCAGGTTGGTTCTACTGCTGTCCAAGTAACTTCAGCAGAGCGAACAAAAGTCCTAG[G>A]GCAATCAGTCTTTCTAAATGACATTTATTATGCTTCGGAAATTGAAGAAATCTGCCTAGT-3'
Protein context (NP_001035957.1, residues 1764-1784): VTSAERTKVL[Gly1774Glu]QSVFLNDIYY

ClinVar aggregate classification (germline): Uncertain significance (1 of 4 stars; one submission).

Conditions:
Hereditary cancer-predisposing syndrome. Also called: Neoplastic Syndromes, Hereditary; Tumor predisposition; Hereditary neoplastic syndrome; Hereditary Cancer Syndrome. Identifiers: Orphanet 140162, MedGen C0027672, MeSH D009386, MONDO:0015356.
Cardiovascular phenotype. Identifiers: MedGen CN230736.

Submission:

Ambry Genetics
Classification: Uncertain significance for Cardiovascular phenotype; Hereditary cancer-predisposing syndrome. Last evaluated: 2023-01-15. Review status: criteria provided, single submitter. Criteria: Ambry Variant Classification Scheme 2023. Collection method: clinical testing. Allele origin: germline.
Comment: The p.G1753E variant (also known as c.5258G>A), located in coding exon 37 of the NF1 gene, results from a G to A substitution at nucleotide position 5258. The glycine at codon 1753 is replaced by glutamic acid, an amino acid with similar properties. This amino acid position is conserved. In addition, this alteration is predicted to be deleterious by in silico analysis. Since supporting evidence is limited at this time, the clinical significance of this alteration remains unclear.